The following is an entry in ClinVar:

NM_020297.4(ABCC9):c.306C>T (p.Leu102=)

Gene: ABCC9 (ATP binding cassette subfamily C member 9; minus strand). Cytogenetic location: 12p12.1.
Variant type: single nucleotide variant.
Coding change: c.306C>T on transcript NM_020297.4 (MANE Select); coding-DNA position 306, C replaced by T.
Protein change: p.Leu102=; no amino-acid change (leucine 102 retained).
Molecular consequence: synonymous variant. On other transcripts: 5 prime UTR variant (1).
Genome position (GRCh38, 1-based): chr12:21,926,042, G>A on the plus strand (C>T on the coding strand, the complement: ABCC9 is on the minus strand). VCF-style: chr12-21926042-G-A. GRCh37 (hg19) VCF-style: chr12-22078976-G-A.
Other names: c.306C>T, p.Leu102= (NM_001377273.1, NM_005691.4); c.-149C>T (NM_001377274.1); c.306C>T (NM_005691.2).
Identifiers: ClinVar variation 746750 (VCV000746750.18), dbSNP rs994917919, ClinGen allele CA233620220.

ClinVar aggregate classification (germline): Likely benign. Review status: criteria provided, multiple submitters, no conflicts (2 of 4 stars). 4 submissions from 4 submitters: Likely benign (4). Last evaluated 2026-01-27.

Conditions:
Dilated cardiomyopathy 1O (CMD1O). Also called: CARDIOMYOPATHY, DILATED, WITH VENTRICULAR TACHYCARDIA. Identifiers: Orphanet 154, MedGen C1837839, MONDO:0012062, OMIM 608569.
Cardiovascular phenotype. Identifiers: MedGen CN230736.

Allele frequency attached by ClinVar (database versions not stated): gnomAD exomes below 0.00001 and 0.00001; gnomAD 0.00001; TOPMed 0.00001.
gnomAD v4.1: 6 of 1,613,972 alleles (0.00037%); highest among the groups gnomAD compares: Admixed American, 0.0017%; no homozygotes.

Submissions (4):

Labcorp Genetics (formerly Invitae), Labcorp
Classification: Likely benign for Dilated cardiomyopathy 1O. Last evaluated: 2026-01-27. Review status: criteria provided, single submitter. Criteria: Invitae Variant Classification Sherloc (09022015). Collection method: clinical testing. Allele origin: germline.

CeGaT Center for Human Genetics Tuebingen
Classification: Likely benign. Last evaluated: 2025-12-01. Review status: criteria provided, single submitter. Criteria: CeGaT Center For Human Genetics Tuebingen Variant Classification Criteria Version 2. Collection method: clinical testing. Allele origin: germline. Affected: yes. Observed: 1 variant allele.
Comment: ABCC9: BP4, BP7

Ambry Genetics
Classification: Likely benign for Cardiovascular phenotype. Last evaluated: 2023-06-03. Review status: criteria provided, single submitter. Criteria: Ambry Variant Classification Scheme 2023. Collection method: clinical testing. Allele origin: germline.

ARUP Laboratories, Molecular Genetics and Genomics, ARUP Laboratories
Classification: Likely benign. Last evaluated: 2022-09-20. Review status: criteria provided, single submitter. Criteria: ARUP Molecular Germline Variant Investigation Process 2021. Collection method: clinical testing. Allele origin: germline.